The following is an entry in ClinVar:

ClinVar aggregate classification (germline): Uncertain significance (1 of 4 stars; one submission).

Conditions:
Ehlers-Danlos syndrome, classic type, 1 (EDSCL1). Also called: EHLERS-DANLOS SYNDROME, GRAVIS TYPE; EHLERS-DANLOS SYNDROME, SEVERE CLASSIC TYPE; EDS I; Ehlers-Danlos Syndrome, Classic Type, COL5A1-Related; Ehlers-Danlos syndrome, type 1. Identifiers: MedGen C0268335, MONDO:0019567, OMIM 130000.

Submission:

Labcorp Genetics (formerly Invitae), Labcorp
Classification: Uncertain significance for Ehlers-Danlos syndrome, classic type, 1. Last evaluated: 2020-07-13. Review status: criteria provided, single submitter. Criteria: Invitae Variant Classification Sherloc (09022015). Collection method: clinical testing. Allele origin: germline.
Comment: This sequence change replaces glutamine with arginine at codon 1206 of the COL5A1 protein (p.Gln1206Arg). The glutamine residue is highly conserved and there is a small physicochemical difference between glutamine and arginine. This variant is not present in population databases (ExAC no frequency). This variant has not been reported in the literature in individuals with COL5A1-related conditions. Experimental studies and prediction algorithms are not available or were not evaluated, and the functional significance of this variant is currently unknown. In summary, the available evidence is currently insufficient to determine the role of this variant in disease. Therefore, it has been classified as a Variant of Uncertain Significance.

NM_000093.5(COL5A1):c.3617A>G (p.Gln1206Arg)

Gene: COL5A1 (collagen type V alpha 1 chain; plus strand). Cytogenetic location: 9q34.3.
Variant type: single nucleotide variant.
Coding change: c.3617A>G on transcript NM_000093.5 (MANE Select); coding-DNA position 3617, A replaced by G.
Protein change: p.Gln1206Arg; replaces glutamine 1206 with arginine.
Molecular consequence: missense variant.
Genome position (GRCh38, 1-based): chr9:134,811,526, A>G. VCF-style: chr9-134811526-A-G. GRCh37 (hg19) VCF-style: chr9-137703372-A-G.
Other names: c.3617A>G, p.Gln1206Arg (NM_001278074.1); short protein forms Q1206R.
Identifiers: ClinVar variation 1010529 (VCV001010529.10), dbSNP rs1838524740, ClinGen allele CA375454132.